The following is an entry in ClinVar:

NM_030962.4(SBF2):c.44A>C (p.His15Pro)

Genes: SBF2 (SET binding factor 2; minus strand), LOC130005303 (ATAC-STARR-seq lymphoblastoid silent region 3141; plus strand). Cytogenetic location: 11p15.4.
Variant type: single nucleotide variant.
Coding change: c.44A>C on transcript NM_030962.4 (MANE Select); coding-DNA position 44, A replaced by C.
Protein change: p.His15Pro; replaces histidine 15 with proline.
Molecular consequence: missense variant. On other transcripts: intron variant (3).
Genome position (GRCh38, 1-based): chr11:10,294,026, T>G on the plus strand (A>C on the coding strand, the complement: SBF2 is on the minus strand). VCF-style: chr11-10294026-T-G. GRCh37 (hg19) VCF-style: chr11-10315573-T-G.
Other names: c.44A>C, p.His15Pro (NM_001386339.1, NM_001386342.1); c.91+6380A>C (NM_001425069.1, NM_001425070.1, NM_001424318.1); short protein forms H15P.
Identifiers: ClinVar variation 4752051 (VCV004752051.1).

ClinVar aggregate classification (germline): Uncertain significance (1 of 4 stars; one submission).

Conditions:
Charcot-Marie-Tooth disease type 4. Also called: Charcot-Marie-Tooth disease, type IV; Charcot-Marie-Tooth, Type 4. Identifiers: Orphanet 64749, MedGen C4082197, MONDO:0018995.

Submission:

Labcorp Genetics (formerly Invitae), Labcorp
Classification: Uncertain significance for Charcot-Marie-Tooth disease type 4. Last evaluated: 2025-12-16. Review status: criteria provided, single submitter. Criteria: Invitae Variant Classification Sherloc (09022015). Collection method: clinical testing. Allele origin: germline.
Comment: This sequence change replaces histidine, which is basic and polar, with proline, which is neutral and non-polar, at codon 15 of the SBF2 protein (p.His15Pro). This variant is not present in population databases (gnomAD no frequency). This variant has not been reported in the literature in individuals affected with SBF2-related conditions. An algorithm developed to predict the effect of missense changes on protein structure and function (PolyPhen-2) suggests that this variant is likely to be tolerated. In summary, the available evidence is currently insufficient to determine the role of this variant in disease. Therefore, it has been classified as a Variant of Uncertain Significance.